The following is an entry in ClinVar:

ClinVar aggregate classification (germline): Conflicting classifications of pathogenicity. Review status: criteria provided, conflicting classifications (1 of 4 stars). 5 submissions from 5 submitters: Uncertain significance (3); Likely benign (2). Last evaluated 2025-10-01.

Conditions:
Cornelia de Lange syndrome 1 (CDLS1). Also called: TYPUS DEGENERATIVUS AMSTELODAMENSIS; NIPBL-Related Cornelia de Lange Syndrome; Brachmann de Lange syndrome. Identifiers: Orphanet 199, MedGen C4551851, MONDO:0007387, OMIM 122470.

Allele frequency attached by ClinVar (database versions not stated): ExAC 0.00002; gnomAD exomes 0.00006 and 0.00016; TOPMed 0.00006; gnomAD 0.00007 and 0.00008; ESP Exome Variant Server 0.00008.
gnomAD v4.1: 241 of 1,613,600 alleles (0.015%); highest among the groups gnomAD compares: Non-Finnish European, 0.02%; no homozygotes.

Submissions (5):

Labcorp Genetics (formerly Invitae), Labcorp
Classification: Likely benign for Cornelia de Lange syndrome 1. Last evaluated: 2025-10-01. Review status: criteria provided, single submitter. Criteria: Invitae Variant Classification Sherloc (09022015). Collection method: clinical testing. Allele origin: germline.

CeGaT Center for Human Genetics Tuebingen
Classification: Likely benign. Last evaluated: 2025-03-01. Review status: criteria provided, single submitter. Criteria: CeGaT Center For Human Genetics Tuebingen Variant Classification Criteria Version 2. Collection method: clinical testing. Allele origin: germline. Affected: yes. Observed: 1 variant allele.
Comment: NIPBL: BP4, BP7

Genome-Nilou Lab
Classification: Uncertain significance for Cornelia de Lange syndrome 1. Last evaluated: 2021-07-15. Review status: criteria provided, single submitter. Criteria: ACMG Guidelines, 2015. Collection method: clinical testing. Allele origin: germline. Affected: no.

Illumina Laboratory Services, Illumina
Classification: Uncertain significance for Cornelia de Lange syndrome 1. Last evaluated: 2018-01-12. Review status: criteria provided, single submitter. Criteria: ICSL Variant Classification Criteria 13 December 2019. Collection method: clinical testing. Allele origin: germline.

Eurofins Ntd Llc (ga)
Classification: Uncertain significance. Last evaluated: 2014-01-27. Review status: criteria provided, single submitter. Criteria: EGL Classification Definitions 2015. Collection method: clinical testing. Allele origin: germline. Observed: 1 variant allele, 1 heterozygote.

NM_133433.4(NIPBL):c.6312A>G (p.Lys2104=)

Gene: NIPBL (NIPBL cohesin loading factor; plus strand). Cytogenetic location: 5p13.2.
Variant type: single nucleotide variant.
Coding change: c.6312A>G on transcript NM_133433.4 (MANE Select); coding-DNA position 6312, A replaced by G.
Protein change: p.Lys2104=; no amino-acid change (lysine 2104 retained).
Molecular consequence: synonymous variant.
Genome position (GRCh38, 1-based): chr5:37,044,698, A>G. VCF-style: chr5-37044698-A-G. GRCh37 (hg19) VCF-style: chr5-37044800-A-G.
Other names: c.6312A>G, p.Lys2104= (NM_015384.5).
Identifiers: ClinVar variation 166887 (VCV000166887.21), dbSNP rs147865925, ClinGen allele CA233754.